The following is an entry in ClinVar:

NM_001042492.3(NF1):c.1190G>C (p.Cys397Ser)

Gene: NF1 (neurofibromin 1; plus strand). Cytogenetic location: 17q11.2.
Variant type: single nucleotide variant.
Coding change: c.1190G>C on transcript NM_001042492.3 (MANE Select); coding-DNA position 1190, G replaced by C.
Protein change: p.Cys397Ser; replaces cysteine 397 with serine.
Molecular consequence: missense variant.
Genome position (GRCh38, 1-based): chr17:31,201,415, G>C. VCF-style: chr17-31201415-G-C. GRCh37 (hg19) VCF-style: chr17-29528433-G-C.
Other names: c.1190G>C, p.Cys397Ser (NM_000267.4, NM_001128147.3); short protein forms C397S.
Identifiers: ClinVar variation 185113 (VCV000185113.3), dbSNP rs786201937, ClinGen allele CA191072.
Genomic context (GRCh38, chr17:31,201,415, plus strand): 5'-ATTACTGAGTATTTTTCTCATAGAAATAATCTGCTTTTTTTTTTCTTTTTCTATAGATCT[G>C]CCTGGCTCAGAATTCACCTTCTACATTTCACTATGTGCTGGTAAATTCACTCCATCGAAT-3'
Protein context (NP_001035957.1, residues 387-407): SPHNNQHFKI[Cys397Ser]LAQNSPSTFH

ClinVar aggregate classification (germline): Uncertain significance (1 of 4 stars; one submission).

Conditions:
Hereditary cancer-predisposing syndrome. Also called: Hereditary neoplastic syndrome; Neoplastic Syndromes, Hereditary; Tumor predisposition; Hereditary Cancer Syndrome. Identifiers: Orphanet 140162, MedGen C0027672, MeSH D009386, MONDO:0015356.

Submission:

Ambry Genetics
Classification: Uncertain significance for Hereditary cancer-predisposing syndrome. Last evaluated: 2014-06-04. Review status: criteria provided, single submitter. Criteria: Ambry Autosomal Dominant and X-Linked criteria (10/2015). Collection method: clinical testing. Allele origin: germline. Observed: 1 variant allele.
Comment: The p.C397S variant (also known as c.1190G>C), located in coding exon 11 of the NF1 gene, results from a G to C substitution at nucleotide position 1190. The cysteine at codon 397 is replaced by serine, an amino acid with dissimilar properties. This amino acid position is highly conserved in available vertebrate species. In addition, this alteration is predicted to be deleterious by in silico analysis. Since supporting evidence is limited at this time, the clinical significance of this alteration remains unclear.